The following is an entry in ClinVar:

NM_006767.4(LZTR1):c.984C>T (p.Ser328=)

Gene: LZTR1 (leucine zipper like post translational regulator 1; plus strand). Cytogenetic location: 22q11.21.
Variant type: single nucleotide variant.
Coding change: c.984C>T on transcript NM_006767.4 (MANE Select); coding-DNA position 984, C replaced by T.
Protein change: p.Ser328=; no amino-acid change (serine 328 retained).
Molecular consequence: synonymous variant.
Genome position (GRCh38, 1-based): chr22:20,991,820, C>T. VCF-style: chr22-20991820-C-T. GRCh37 (hg19) VCF-style: chr22-21346109-C-T.
Identifiers: ClinVar variation 1153905 (VCV001153905.36), dbSNP rs374054699, ClinGen allele CA10118674.

ClinVar aggregate classification (germline): Likely benign. Review status: criteria provided, multiple submitters, no conflicts (2 of 4 stars). 5 submissions from 5 submitters: Likely benign (4). 1 of the submissions does not count toward it. Last evaluated 2025-12-03.

Conditions:
Hereditary cancer-predisposing syndrome. Also called: Tumor predisposition; Hereditary neoplastic syndrome; Hereditary Cancer Syndrome; Neoplastic Syndromes, Hereditary. Identifiers: Orphanet 140162, MedGen C0027672, MeSH D009386, MONDO:0015356.
Cardiovascular phenotype. Identifiers: MedGen CN230736.
LZTR1-related disorder. Also called: LZTR1-related disorders; LZTR1-related condition.

Allele frequency attached by ClinVar (database versions not stated): gnomAD 0.00002 and 0.00003; gnomAD exomes 0.00002; TOPMed 0.00004; ESP Exome Variant Server 0.00024.

Submissions (5):

Labcorp Genetics (formerly Invitae), Labcorp
Classification: Likely benign. Last evaluated: 2025-12-03. Review status: criteria provided, single submitter. Criteria: Invitae Variant Classification Sherloc (09022015). Collection method: clinical testing. Allele origin: germline.

Blueprint Genetics
Classification: Likely benign. Last evaluated: 2024-10-14. Review status: criteria provided, single submitter. Criteria: ACMG Guidelines, 2015. Collection method: clinical testing. Allele origin: germline.

CeGaT Center for Human Genetics Tuebingen
Classification: Likely benign. Last evaluated: 2023-11-01. Review status: criteria provided, single submitter. Criteria: CeGaT Center For Human Genetics Tuebingen Variant Classification Criteria Version 2. Collection method: clinical testing. Allele origin: germline. Affected: yes. Observed: 1 variant allele.
Comment: LZTR1: BP4, BP7

Ambry Genetics
Classification: Likely benign for Cardiovascular phenotype; Hereditary cancer-predisposing syndrome. Last evaluated: 2021-01-27. Review status: criteria provided, single submitter. Criteria: Ambry Variant Classification Scheme 2023. Collection method: clinical testing. Allele origin: germline.

PreventionGenetics, part of Exact Sciences
Classification: Likely benign for LZTR1-related condition. Last evaluated: 2022-11-23. Review status: no assertion criteria provided. Collection method: clinical testing. Allele origin: germline. Not counted in ClinVar's aggregate classification.
Comment: This variant is classified as likely benign based on ACMG/AMP sequence variant interpretation guidelines (Richards et al. 2015 PMID: 25741868, with internal and published modifications).